The following is an entry in ClinVar:

NM_002474.3(MYH11):c.3256G>C (p.Ala1086Pro)

Gene: MYH11 (myosin heavy chain 11; minus strand). Cytogenetic location: 16p13.11.
Variant type: single nucleotide variant.
Coding change: c.3256G>C on transcript NM_002474.3 (MANE Select); coding-DNA position 3256, G replaced by C.
Protein change: p.Ala1086Pro; replaces alanine 1086 with proline.
Molecular consequence: missense variant.
Genome position (GRCh38, 1-based): chr16:15,737,486, C>G on the plus strand (G>C on the coding strand, the complement: MYH11 is on the minus strand). VCF-style: chr16-15737486-C-G. GRCh37 (hg19) VCF-style: chr16-15831343-C-G.
Other names: c.3277G>C, p.Ala1093Pro (NM_001040113.2, NM_001040114.2); c.3256G>C, p.Ala1086Pro (NM_022844.3); short protein forms A1086P, A1093P.
Identifiers: ClinVar variation 1172209 (VCV001172209.5), dbSNP rs2151244086, ClinGen allele CA394862861.
Genomic context (GRCh38, chr16:15,737,486, plus strand): 5'-ATGCCCCTTGCCAGCCCCGCTACCTGGCCAGGGCCGCCTGCAGCTCCTCCTCCTTCTTGG[C>G]CAGCTGCATCTTGAGCTCTGCGATCTGCGCCTGGAGGTCAGCGATCTGCTCGTGGAAGTC-3'
Protein context (NP_002465.1, residues 1076-1096): AQIAELKMQL[Ala1086Pro]KKEEELQAAL

ClinVar aggregate classification (germline): Uncertain significance. Review status: criteria provided, multiple submitters, no conflicts (2 of 4 stars). 2 submissions from 2 submitters: Uncertain significance (2). Last evaluated 2024-03-07.

Conditions:
Familial thoracic aortic aneurysm and aortic dissection (TAAD). Also called: Thoracic aortic aneurysms and dissections. Identifiers: Orphanet 91387, MedGen C4707243, MONDO:0019625.

gnomAD v4.1: 1 of 1,613,768 alleles (0.000062%); highest among the groups gnomAD compares: Non-Finnish European, 0.000085%; no homozygotes.

Submissions (2):

Color Diagnostics, LLC DBA Color Health
Classification: Uncertain significance for Familial thoracic aortic aneurysm and aortic dissection. Last evaluated: 2024-03-07. Review status: criteria provided, single submitter. Criteria: ACMG Guidelines, 2015. Collection method: clinical testing. Allele origin: germline.
Comment: This missense variant replaces alanine with proline at codon 1093 of the MYH11 protein. Computational prediction suggests that this variant may have deleterious impact on protein structure and function (internally defined REVEL score threshold >= 0.7, PMID: 27666373). To our knowledge, functional studies have not been reported for this variant. This variant has not been reported in individuals affected with MYH11-related disorders in the literature. This variant has not been identified in the general population by the Genome Aggregation Database (gnomAD). The available evidence is insufficient to determine the role of this variant in disease conclusively. Therefore, this variant is classified as a Variant of Uncertain Significance.

All of Us Research Program, National Institutes of Health
Classification: Uncertain significance for Familial thoracic aortic aneurysm and aortic dissection. Last evaluated: 2023-12-13. Review status: criteria provided, single submitter. Criteria: ACMG Guidelines, 2015. Collection method: clinical testing. Allele origin: germline. Inheritance: Autosomal dominant inheritance. Observed: 1 variant allele, 1 heterozygote.
Comment: This missense variant replaces alanine with proline at codon 1093 of the MYH11 protein. Computational prediction suggests that this variant may have deleterious impact on protein structure and function (internally defined REVEL score threshold >= 0.7, PMID: 27666373). To our knowledge, functional studies have not been reported for this variant. This variant has not been reported in individuals affected with cardiovascular disorders in the literature. This variant has not been identified in the general population by the Genome Aggregation Database (gnomAD). The available evidence is insufficient to determine the role of this variant in disease conclusively. Therefore, this variant is classified as a Variant of Uncertain Significance.

This study involves interpretation of variants in research participants for the purpose of population health screening. Participant phenotype was not available at the time of variant classification. Additional details can be found in publication PMID: 35346344, PMCID: PMC8962531